The following is an entry in ClinVar:

NM_020975.6(RET):c.2370_2371delinsTC (p.Leu790_Tyr791delinsPheHis)

Gene: RET (ret proto-oncogene; plus strand). Cytogenetic location: 10q11.21.
Variant type: Indel.
Coding change: c.2370_2371delinsTC on transcript NM_020975.6 (MANE Select); coding-DNA positions 2370 to 2371, GT replaced by TC.
Protein change: p.Leu790_Tyr791delinsPheHis.
Molecular consequence: missense variant.
Genome position (GRCh38, 1-based): chr10:43,118,458-43,118,459, GT replaced by TC. VCF-style: chr10-43118458-GT-TC. GRCh37 (hg19) VCF-style: chr10-43613906-GT-TC.
Other names: c.2370_2371delGTinsTC, p.Leu790_Tyr791delinsPheHis (NM_000323.2, NM_020629.2); c.1608_1609delinsTC, p.Leu536_Tyr537delinsPheHis (NM_001355216.2); c.2370_2371delinsTC, p.Leu790_Tyr791delinsPheHis (NM_001406743.1, NM_001406744.1, NM_001406759.1 and 2 more transcripts); c.2241_2242delinsTC, p.Leu747_Tyr748delinsPheHis (NM_001406761.1, NM_001406762.1, NM_001406764.1); c.2235_2236delinsTC, p.Leu745_Tyr746delinsPheHis (NM_001406763.1, NM_001406765.1); c.2082_2083delinsTC, p.Leu694_Tyr695delinsPheHis (NM_001406766.1, NM_001406767.1, NM_001406770.1); c.2106_2107delinsTC, p.Leu702_Tyr703delinsPheHis (NM_001406768.1); c.1974_1975delinsTC, p.Leu658_Tyr659delinsPheHis (NM_001406769.1, NM_001406772.1); and 11 more.
Identifiers: ClinVar variation 3227525 (VCV003227525.1), dbSNP rs2538550904, ClinGen allele CA2825001668.
Genomic context (GRCh38, chr10:43,118,458, plus strand): 5'-AGACCTGCTGTCAGAGTTCAACGTCCTGAAGCAGGTCAACCACCCACATGTCATCAAATT[GT>TC]ATGGGGCCTGCAGCCAGGATGGTAAGGCCAGCTGCAGGGTGAGGTGGGCAGCCACTGCAC-3'

ClinVar aggregate classification (germline): Likely pathogenic (1 of 4 stars; one submission).

Conditions:
Hereditary cancer-predisposing syndrome. Also called: Neoplastic Syndromes, Hereditary; Tumor predisposition; Hereditary neoplastic syndrome; Hereditary Cancer Syndrome. Identifiers: Orphanet 140162, MedGen C0027672, MeSH D009386, MONDO:0015356.

Submission:

Ambry Genetics
Classification: Likely pathogenic for Hereditary cancer-predisposing syndrome. Last evaluated: 2024-03-04. Review status: criteria provided, single submitter. Criteria: Ambry Variant Classification Scheme 2023. Collection method: clinical testing. Allele origin: germline.
Comment: The c.2370_2371delGTinsTC variant (also known as p.L790_Y791delinsFH), located in coding exon 13 of the RET gene, results from an in-frame deletion of GT and insertion of TC at nucleotide positions 2370 to 2371. This results in the substitution of the lysine and tyrosine residues for phenylalanine and histidine residues at codons 790 and 791. These amino acid positions are well conserved in available vertebrate species and the impacted region is critical for protein function (Ambry internal data). In addition, this alteration is predicted to be deleterious by in silico analysis (Choi Y et al. PLoS ONE. 2012; 7(10):e46688). The American Thyroid Association has designated alterations at codon 709 occurring without additional RET mutations as moderate risk alterations (Wells SA et al. Thyroid. 2015 Jun;25:567-610). Based on the supporting evidence, this alteration is likely pathogenic with moderate risk of MEN2; however, the association of this alteration with Hirschsprung disease is unknown.